The following is an entry in ClinVar:

NM_015599.3(PGM3):c.629T>C (p.Val210Ala)

Gene: PGM3 (phosphoglucomutase 3; minus strand). Cytogenetic location: 6q14.1.
Variant type: single nucleotide variant.
Coding change: c.629T>C on transcript NM_015599.3 (MANE Select); coding-DNA position 629, T replaced by C.
Protein change: p.Val210Ala; replaces valine 210 with alanine.
Molecular consequence: missense variant. On other transcripts: non-coding transcript variant (1).
Genome position (GRCh38, 1-based): chr6:83,181,894, A>G on the plus strand (T>C on the coding strand, the complement: PGM3 is on the minus strand). VCF-style: chr6-83181894-A-G. GRCh37 (hg19) VCF-style: chr6-83891613-A-G.
Other names: c.713T>C, p.Val238Ala (NM_001199917.2, NM_001367287.1); c.386T>C, p.Val129Ala (NM_001199918.2); c.629T>C, p.Val210Ala (NM_001199919.2, NM_001367286.1); c.713T>C (NM_001199917.1); short protein forms V129A, V238A, V210A.
Identifiers: ClinVar variation 1518993 (VCV001518993.4), dbSNP rs1395736662, ClinGen allele CA364882278.

ClinVar aggregate classification (germline): Uncertain significance. Review status: criteria provided, multiple submitters, no conflicts (2 of 4 stars). 2 submissions from 2 submitters: Uncertain significance (2). Last evaluated 2026-02-22.

Conditions:
PGM3-related disorder. Also called: PGM3-related condition.
Immunodeficiency 23 (IMD23). Also called: IMMUNODEFICIENCY WITH HYPER IgE AND COGNITIVE IMPAIRMENT; IMMUNODEFICIENCY-VASCULITIS-MYOCLONUS SYNDROME. Identifiers: Orphanet 443811, MedGen C4014371, MONDO:0014353, OMIM 615816.

Submissions (2):

PreventionGenetics, part of Exact Sciences
Classification: Uncertain significance for PGM3-related condition. Last evaluated: 2026-02-22. Review status: criteria provided, single submitter. Criteria: ACMG Guidelines, 2015. Collection method: clinical testing. Allele origin: germline.
Comment: The PGM3 c.713T>C variant is predicted to result in the amino acid substitution p.Val238Ala. To our knowledge, this variant has not been reported in the literature or in a large population database (gnomAD), indicating this variant is rare. At this time, the clinical significance of this variant is uncertain due to the absence of conclusive functional and genetic evidence.

Labcorp Genetics (formerly Invitae), Labcorp
Classification: Uncertain significance for Immunodeficiency 23. Last evaluated: 2021-11-18. Review status: criteria provided, single submitter. Criteria: Invitae Variant Classification Sherloc (09022015). Collection method: clinical testing. Allele origin: germline.
Comment: This sequence change replaces valine, which is neutral and non-polar, with alanine, which is neutral and non-polar, at codon 238 of the PGM3 protein (p.Val238Ala). This variant is not present in population databases (gnomAD no frequency). This variant has not been reported in the literature in individuals affected with PGM3-related conditions. Algorithms developed to predict the effect of missense changes on protein structure and function are either unavailable or do not agree on the potential impact of this missense change (SIFT: "Deleterious"; PolyPhen-2: "Benign"; Align-GVGD: "Class C15"). In summary, the available evidence is currently insufficient to determine the role of this variant in disease. Therefore, it has been classified as a Variant of Uncertain Significance.